The following is an entry in ClinVar:

ClinVar aggregate classification (germline): Likely benign (1 of 4 stars; one submission).

gnomAD v4.1: 10 of 1,613,824 alleles (0.00062%); highest among the groups gnomAD compares: Non-Finnish European, 0.00068%; no homozygotes.

Submission:

CeGaT Center for Human Genetics Tuebingen
Classification: Likely benign. Last evaluated: 2024-11-01. Review status: criteria provided, single submitter. Criteria: CeGaT Center For Human Genetics Tuebingen Variant Classification Criteria Version 2. Collection method: clinical testing. Allele origin: germline. Affected: yes. Observed: 1 variant allele.
Comment: GEMIN4: BP4, BP7

NM_015721.3(GEMIN4):c.3063T>C (p.Ser1021=)

Gene: GEMIN4 (gem nuclear organelle associated protein 4; minus strand). Cytogenetic location: 17p13.3.
Variant type: single nucleotide variant.
Coding change: c.3063T>C on transcript NM_015721.3 (MANE Select); coding-DNA position 3063, T replaced by C.
Protein change: p.Ser1021=; no amino-acid change (serine 1021 retained).
Molecular consequence: synonymous variant.
Genome position (GRCh38, 1-based): chr17:744,980, A>G on the plus strand (T>C on the coding strand, the complement: GEMIN4 is on the minus strand). VCF-style: chr17-744980-A-G. GRCh37 (hg19) VCF-style: chr17-648220-A-G.
Identifiers: ClinVar variation 3389473 (VCV003389473.14).